The following is an entry in ClinVar:

ClinVar aggregate classification (germline): Uncertain significance. Review status: criteria provided, multiple submitters, no conflicts (2 of 4 stars). 2 submissions from 2 submitters: Uncertain significance (2). Last evaluated 2024-01-02.

Conditions:
Cardiovascular phenotype. Identifiers: MedGen CN230736.
Dilated cardiomyopathy 2B. Identifiers: Orphanet 154, MedGen C3553409, MONDO:0013848, OMIM 614672.

Submissions (2):

Ambry Genetics
Classification: Uncertain significance for Cardiovascular phenotype. Last evaluated: 2024-01-02. Review status: criteria provided, single submitter. Criteria: Ambry Variant Classification Scheme 2023. Collection method: clinical testing. Allele origin: germline.
Comment: The c.112_120delGGCGCGGGC variant (also known as p.G38_G40del) is located in coding exon 1 of the GATAD1 gene. This variant results from an in-frame GGCGCGGGC deletion at nucleotide positions 112 to 120. This results in the in-frame deletion of three residues (GAG) at codons 38 to 40. This amino acid region is not well conserved in available vertebrate species. In addition, this alteration is predicted to be neutral by in silico analysis (Choi Y et al. PLoS ONE. 2012; 7(10):e46688). The evidence for this gene-disease relationship is limited; therefore, the clinical significance of this alteration is unclear.

Labcorp Genetics (formerly Invitae), Labcorp
Classification: Uncertain significance for Dilated cardiomyopathy 2B. Last evaluated: 2021-03-08. Review status: criteria provided, single submitter. Criteria: Invitae Variant Classification Sherloc (09022015). Collection method: clinical testing. Allele origin: germline.
Comment: This variant, c.112_120del, results in the deletion of 3 amino acid(s) of the GATAD1 protein (p.Gly38_Gly40del), but otherwise preserves the integrity of the reading frame. The frequency data for this variant in the population databases is considered unreliable, as metrics indicate insufficient coverage at this position in the ExAC database. This variant has not been reported in the literature in individuals with GATAD1-related conditions. Experimental studies and prediction algorithms are not available or were not evaluated, and the functional significance of this variant is currently unknown. In summary, the available evidence is currently insufficient to determine the role of this variant in disease. Therefore, it has been classified as a Variant of Uncertain Significance.

NM_021167.5(GATAD1):c.112_120del (p.Gly38_Gly40del)

Genes: GATAD1 (GATA zinc finger domain containing 1; plus strand), LOC129998793 (ATAC-STARR-seq lymphoblastoid silent region 18371; plus strand). Cytogenetic location: 7q21.2.
Variant type: Deletion.
Coding change: c.112_120del on transcript NM_021167.5 (MANE Select); coding-DNA positions 112 to 120, 9 bases deleted (GGCGCGGGC; older notation c.112_120delGGCGCGGGC).
Protein change: p.Gly38_Gly40del.
Molecular consequence: inframe deletion. On other transcripts: non-coding transcript variant (1).
Genome position (GRCh38, 1-based): chr7:92,447,841-92,447,849, GGCGCGGGC deleted; deleting any 9 consecutive bases within chr7:92,447,837-92,447,849 gives the same sequence; the c. name uses the placement nearest the transcript's 3' end. VCF-style (leftmost placement, unchanged base first): chr7-92447836-GGGGCGGCGC-G. GRCh37 (hg19) VCF-style: chr7-92077150-GGGGCGGCGC-G.
Other names: c.112_120delGGCGCGGGC (NM_021167.3).
Identifiers: ClinVar variation 1412428 (VCV001412428.9), dbSNP rs1010099230, ClinGen allele CA161960741.